The following is an entry in ClinVar:

ClinVar aggregate classification (germline): Uncertain significance (1 of 4 stars; one submission).

Conditions:
Long QT syndrome (LQTS). Identifiers: MedGen C0023976, MeSH D008133, MONDO:0002442. Disease mechanism: loss of function. Inheritance: Various modes of inheritance.

Submission:

Labcorp Genetics (formerly Invitae), Labcorp
Classification: Uncertain significance for Long QT syndrome. Last evaluated: 2023-09-12. Review status: criteria provided, single submitter. Criteria: Invitae Variant Classification Sherloc (09022015). Collection method: clinical testing. Allele origin: germline.
Comment: In summary, the available evidence is currently insufficient to determine the role of this variant in disease. Therefore, it has been classified as a Variant of Uncertain Significance. This sequence change falls in intron 22 of the CACNA1C gene. It does not directly change the encoded amino acid sequence of the CACNA1C protein. It affects a nucleotide within the consensus splice site. This variant is not present in population databases (gnomAD no frequency). This variant has not been reported in the literature in individuals affected with CACNA1C-related conditions. Variants that disrupt the consensus splice site are a relatively common cause of aberrant splicing (PMID: 17576681, 9536098). Algorithms developed to predict the effect of sequence changes on RNA splicing suggest that this variant may disrupt the consensus splice site.

Literature cited by the submitters: PubMed 17576681; PubMed 9536098.

NM_000719.7(CACNA1C):c.2960+4A>G

Gene: CACNA1C (calcium voltage-gated channel subunit alpha1 C; plus strand). Cytogenetic location: 12p13.33.
Variant type: single nucleotide variant.
Coding change: c.2960+4A>G on transcript NM_000719.7 (MANE Select); 4 bases into the intron after coding-DNA position 2960, A replaced by G.
Molecular consequence: intron variant.
Genome position (GRCh38, 1-based): chr12:2,601,964, A>G. VCF-style: chr12-2601964-A-G. GRCh37 (hg19) VCF-style: chr12-2711130-A-G.
Other names: c.2960+4A>G (NM_001167624.3, NM_001167623.2, NM_001167625.2 and 15 more transcripts); c.3020+4A>G (NM_199460.4, NM_001129827.2, NM_001129832.2); c.2951+4A>G (NM_001129844.2).
Identifiers: ClinVar variation 2760434 (VCV002760434.3), dbSNP rs2517606426, ClinGen allele CA2697559066.